The following is an entry in ClinVar:

NM_152296.5(ATP1A3):c.2162G>A (p.Gly721Glu)

Gene: ATP1A3 (ATPase Na+/K+ transporting subunit alpha 3; minus strand). Cytogenetic location: 19q13.2.
Variant type: single nucleotide variant.
Coding change: c.2162G>A on transcript NM_152296.5 (MANE Select); coding-DNA position 2162, G replaced by A.
Protein change: p.Gly721Glu; replaces glycine 721 with glutamic acid.
Molecular consequence: missense variant.
Genome position (GRCh38, 1-based): chr19:41,975,730, C>T on the plus strand (G>A on the coding strand, the complement: ATP1A3 is on the minus strand). VCF-style: chr19-41975730-C-T. GRCh37 (hg19) VCF-style: chr19-42479882-C-T.
Other names: c.2195G>A, p.Gly732Glu (NM_001256213.2); c.2201G>A, p.Gly734Glu (NM_001256214.2); short protein forms G732E, G721E, G734E.
Identifiers: ClinVar variation 4838855 (VCV004838855.2).
Genomic context (GRCh38, chr19:41,975,730, plus strand): 5'-AGCAGGATCATGTCAGCTGCCTGCTTGGAGACGTCAGAGCCAGCGATGCCCATGGCCACC[C>T]CAATGTCGGCCTTCTTCAGAGCGGGGGAGTCGTTCACACCATCCCCGGTCACAGCCACAA-3'
Protein context (NP_689509.1, residues 711-731): DSPALKKADI[Gly721Glu]VAMGIAGSDV

ClinVar aggregate classification (germline): Conflicting classifications of pathogenicity. Review status: criteria provided, conflicting classifications (1 of 4 stars). 2 submissions from 2 submitters: Likely pathogenic (1); Uncertain significance (1). Last evaluated 2026-01-09.

Conditions:
Inborn genetic diseases. Identifiers: MedGen C0950123, MeSH D030342.

Submissions (2):

Ambry Genetics
Classification: Likely pathogenic for Inborn genetic diseases. Last evaluated: 2026-01-09. Review status: criteria provided, single submitter. Criteria: Ambry Variant Classification Scheme 2023. Collection method: clinical testing. Allele origin: germline.
Comment: The c.2162G>A (p.G721E) alteration is located in exon 16 (coding exon 16) of the ATP1A3 gene. This alteration results from a G to A substitution at nucleotide position 2162, causing the glycine (G) at amino acid position 721 to be replaced by a glutamic acid (E). This variant was not reported in population-based cohorts in the Genome Aggregation Database (gnomAD). This variant was reported in individual(s) with features consistent with ATP1A3-related neurologic disorders; in at least one individual, it was determined to be de novo (Kaplanis, 2020). This amino acid position is highly conserved in available vertebrate species. This missense alteration is located in a region that has a low rate of benign missense variation (Lek, 2016; Firth, 2009). This alteration is predicted to be deleterious by in silico analysis. Based on the available evidence, this alteration is classified as likely pathogenic.

Blueprint Genetics
Classification: Uncertain significance. Last evaluated: 2020-07-01. Review status: criteria provided, single submitter. Criteria: ACMG Guidelines, 2015. Collection method: clinical testing. Allele origin: germline.

Literature cited by the submitters: PubMed 33057194 (cited by Ambry Genetics).